The following is an entry in ClinVar:

ClinVar aggregate classification (germline): Uncertain significance (1 of 4 stars; one submission).

gnomAD v4.1: 4 of 1,610,018 alleles (0.00025%); highest among the groups gnomAD compares: African/African-American, 0.0013%; no homozygotes.

Submission:

CeGaT Center for Human Genetics Tuebingen
Classification: Uncertain significance. Last evaluated: 2025-05-01. Review status: criteria provided, single submitter. Criteria: CeGaT Center For Human Genetics Tuebingen Variant Classification Criteria Version 2. Collection method: clinical testing. Allele origin: germline. Affected: yes. Observed: 1 variant allele.
Comment: DNAH11: PM2, BP4

NM_001277115.2(DNAH11):c.286A>G (p.Ser96Gly)

Gene: DNAH11 (dynein axonemal heavy chain 11; plus strand). Cytogenetic location: 7p15.3.
Variant type: single nucleotide variant.
Coding change: c.286A>G on transcript NM_001277115.2 (MANE Select); coding-DNA position 286, A replaced by G.
Protein change: p.Ser96Gly; replaces serine 96 with glycine.
Molecular consequence: missense variant.
Genome position (GRCh38, 1-based): chr7:21,543,531, A>G. VCF-style: chr7-21543531-A-G. GRCh37 (hg19) VCF-style: chr7-21583149-A-G.
Other names: short protein forms S96G.
Identifiers: ClinVar variation 3905691 (VCV003905691.10).